The following is an entry in ClinVar:

ClinVar aggregate classification (germline): Uncertain significance (1 of 4 stars; one submission).

Conditions:
Pick disease. Also called: PICK DISEASE OF BRAIN; DEMENTIA WITH LOBAR ATROPHY AND NEURONAL CYTOPLASMIC INCLUSIONS; LOBAR ATROPHY OF BRAIN; Pick's disease; Pick Disease of the Brain. Identifiers: Orphanet 282, MedGen C0236642, MONDO:0008243, OMIM 172700.
Alzheimer disease 3 (AD3). Also called: ALZHEIMER DISEASE, FAMILIAL, 3. Identifiers: Orphanet 1020, MedGen C1843013, MONDO:0011913, OMIM 607822.
Frontotemporal dementia (FTD1). Also called: Dementia, frontotemporal, with or without parkinsonism; FRONTOTEMPORAL DEMENTIA WITH PARKINSONISM; FRONTOTEMPORAL LOBE DEMENTIA; MULTIPLE SYSTEM TAUOPATHY WITH PRESENILE DEMENTIA; WILHELMSEN-LYNCH DISEASE; Frontotemporal Dementia with Parkinsonism-17 (FTDP-17). Identifiers: Orphanet 282, MedGen C0338451, MONDO:0017276, OMIM 600274, HP:0002145.
Acne inversa, familial, 3 (ACNINV3). Identifiers: MedGen C3151038, MONDO:0013398, OMIM 613737.

Submission:

Labcorp Genetics (formerly Invitae), Labcorp
Classification: Uncertain significance for Alzheimer disease 3; Pick disease; Acne inversa, familial, 3; Frontotemporal dementia. Last evaluated: 2025-09-21. Review status: criteria provided, single submitter. Criteria: Invitae Variant Classification Sherloc (09022015). Collection method: clinical testing. Allele origin: germline.
Comment: This sequence change replaces glycine, which is neutral and non-polar, with valine, which is neutral and non-polar, at codon 57 of the PSEN1 protein (p.Gly57Val). This variant is not present in population databases (gnomAD no frequency). This variant has not been reported in the literature in individuals affected with PSEN1-related conditions. Invitae Evidence Modeling of protein sequence and biophysical properties (such as structural, functional, and spatial information, amino acid conservation, physicochemical variation, residue mobility, and thermodynamic stability) indicates that this missense variant is not expected to disrupt PSEN1 protein function with a negative predictive value of 95%. In summary, the available evidence is currently insufficient to determine the role of this variant in disease. Therefore, it has been classified as a Variant of Uncertain Significance.

NM_000021.4(PSEN1):c.170G>T (p.Gly57Val)

Gene: PSEN1 (presenilin 1; plus strand). Cytogenetic location: 14q24.2.
Variant type: single nucleotide variant.
Coding change: c.170G>T on transcript NM_000021.4 (MANE Select); coding-DNA position 170, G replaced by T.
Protein change: p.Gly57Val; replaces glycine 57 with valine.
Molecular consequence: missense variant.
Genome position (GRCh38, 1-based): chr14:73,170,879, G>T. VCF-style: chr14-73170879-G-T. GRCh37 (hg19) VCF-style: chr14-73637587-G-T.
Other names: c.158G>T, p.Gly53Val (NM_007318.3); short protein forms G57V, G53V.
Identifiers: ClinVar variation 4791707 (VCV004791707.1).